The following is an entry in ClinVar:

NM_003737.4(DCHS1):c.8180C>T (p.Thr2727Ile)

Gene: DCHS1 (dachsous cadherin-related 1; minus strand). Cytogenetic location: 11p15.4.
Variant type: single nucleotide variant.
Coding change: c.8180C>T on transcript NM_003737.4 (MANE Select); coding-DNA position 8180, C replaced by T.
Protein change: p.Thr2727Ile; replaces threonine 2727 with isoleucine.
Molecular consequence: missense variant.
Genome position (GRCh38, 1-based): chr11:6,623,496, G>A on the plus strand (C>T on the coding strand, the complement: DCHS1 is on the minus strand). VCF-style: chr11-6623496-G-A. GRCh37 (hg19) VCF-style: chr11-6644727-G-A.
Other names: short protein forms T2727I.
Identifiers: ClinVar variation 1481510 (VCV001481510.6), dbSNP rs767817840, ClinGen allele CA5859476.

ClinVar aggregate classification (germline): Uncertain significance (1 of 4 stars; one submission).

Allele frequency attached by ClinVar (database versions not stated): gnomAD exomes below 0.00001 and 0.00002; TOPMed below 0.00001; gnomAD 0.00001; ExAC 0.00006.
gnomAD v4.1: 10 of 1,595,344 alleles (0.00063%); highest among the groups gnomAD compares: South Asian, 0.011%; 1 homozygote.

Submission:

Labcorp Genetics (formerly Invitae), Labcorp
Classification: Uncertain significance. Last evaluated: 2022-08-28. Review status: criteria provided, single submitter. Criteria: Invitae Variant Classification Sherloc (09022015). Collection method: clinical testing. Allele origin: germline.
Comment: ClinVar contains an entry for this variant (Variation ID: 1481510). This sequence change replaces threonine, which is neutral and polar, with isoleucine, which is neutral and non-polar, at codon 2727 of the DCHS1 protein (p.Thr2727Ile). This variant is present in population databases (rs767817840, gnomAD 0.002%). This variant has not been reported in the literature in individuals affected with DCHS1-related conditions. Advanced modeling of protein sequence and biophysical properties (such as structural, functional, and spatial information, amino acid conservation, physicochemical variation, residue mobility, and thermodynamic stability) performed at Invitae indicates that this missense variant is not expected to disrupt DCHS1 protein function. In summary, the available evidence is currently insufficient to determine the role of this variant in disease. Therefore, it has been classified as a Variant of Uncertain Significance.